The following is an entry in ClinVar:

NM_001286.5(CLCN6):c.921G>T (p.Gln307His)

Gene: CLCN6 (chloride voltage-gated channel 6; plus strand). Cytogenetic location: 1p36.22.
Variant type: single nucleotide variant.
Coding change: c.921G>T on transcript NM_001286.5 (MANE Select); coding-DNA position 921, G replaced by T.
Protein change: p.Gln307His; replaces glutamine 307 with histidine.
Molecular consequence: missense variant. On other transcripts: non-coding transcript variant (1).
Genome position (GRCh38, 1-based): chr1:11,828,186, G>T. VCF-style: chr1-11828186-G-T. GRCh37 (hg19) VCF-style: chr1-11888243-G-T.
Other names: c.855G>T, p.Gln285His (NM_001256959.2); short protein forms Q307H, Q285H.
Identifiers: ClinVar variation 1502201 (VCV001502201.6), dbSNP rs566826626, ClinGen allele CA596284.
Genomic context (GRCh38, chr1:11,828,186, plus strand): 5'-CACCTTCACCCTCAACTTCTTCCGTTCTGGGATTCAGTTTGGAAGCTGGGGTTCCTTCCA[G>T]CTCCCTGGATTGCTGAACTTTGGCGAGTTTAAGGTATGTTTTGTCCTTTCCCCAAGGATT-3'
Protein context (NP_001277.2, residues 297-317): GIQFGSWGSF[Gln307His]LPGLLNFGEF

ClinVar aggregate classification (germline): Uncertain significance (1 of 4 stars; one submission).

Allele frequency attached by ClinVar (database versions not stated): ExAC 0.00001; gnomAD 0.00001 and 0.00002; gnomAD exomes 0.00001; TOPMed 0.00003; 1000 Genomes Project 30x 0.00016; 1000 Genomes Project 0.00020.
gnomAD v4.1: 7 of 1,614,118 alleles (0.00043%); highest among the groups gnomAD compares: Admixed American, 0.012%; no homozygotes.

Submission:

Labcorp Genetics (formerly Invitae), Labcorp
Classification: Uncertain significance. Last evaluated: 2024-12-16. Review status: criteria provided, single submitter. Criteria: Invitae Variant Classification Sherloc (09022015). Collection method: clinical testing. Allele origin: germline.
Comment: This sequence change replaces glutamine, which is neutral and polar, with histidine, which is basic and polar, at codon 307 of the CLCN6 protein (p.Gln307His). This variant is present in population databases (rs566826626, gnomAD 0.006%). This variant has not been reported in the literature in individuals affected with CLCN6-related conditions. ClinVar contains an entry for this variant (Variation ID: 1502201). An algorithm developed to predict the effect of missense changes on protein structure and function (PolyPhen-2) suggests that this variant is likely to be disruptive. In summary, the available evidence is currently insufficient to determine the role of this variant in disease. Therefore, it has been classified as a Variant of Uncertain Significance.